The following is an entry in ClinVar:

ClinVar aggregate classification (germline): Uncertain significance (1 of 4 stars; one submission).

gnomAD v4.1: 12 of 1,614,138 alleles (0.00074%); highest among the groups gnomAD compares: South Asian, 0.0011%; no homozygotes.

Submission:

Labcorp Genetics (formerly Invitae), Labcorp
Classification: Uncertain significance. Last evaluated: 2025-09-25. Review status: criteria provided, single submitter. Criteria: Invitae Variant Classification Sherloc (09022015). Collection method: clinical testing. Allele origin: germline.
Comment: This sequence change replaces serine, which is neutral and polar, with leucine, which is neutral and non-polar, at codon 654 of the A2ML1 protein (p.Ser654Leu). This variant is present in population databases (no rsID available, gnomAD 0.003%). This variant has not been reported in the literature in individuals affected with A2ML1-related conditions. An algorithm developed to predict the effect of missense changes on protein structure and function outputs the following: PolyPhen-2: "Benign". The leucine amino acid residue is found in multiple mammalian species, which suggests that this missense change does not adversely affect protein function. In summary, the available evidence is currently insufficient to determine the role of this variant in disease. Therefore, it has been classified as a Variant of Uncertain Significance.

NM_144670.6(A2ML1):c.1961C>T (p.Ser654Leu)

Gene: A2ML1 (alpha-2-macroglobulin like 1; plus strand). Cytogenetic location: 12p13.31.
Variant type: single nucleotide variant.
Coding change: c.1961C>T on transcript NM_144670.6 (MANE Select); coding-DNA position 1961, C replaced by T.
Protein change: p.Ser654Leu; replaces serine 654 with leucine.
Molecular consequence: missense variant.
Genome position (GRCh38, 1-based): chr12:8,848,847, C>T. VCF-style: chr12-8848847-C-T. GRCh37 (hg19) VCF-style: chr12-9001443-C-T.
Other names: c.488C>T, p.Ser163Leu (NM_001282424.3); short protein forms S654L, S163L.
Identifiers: ClinVar variation 4705656 (VCV004705656.1).